The following is an entry in ClinVar:

ClinVar aggregate classification (germline): Conflicting classifications of pathogenicity. Review status: criteria provided, conflicting classifications (1 of 4 stars). 10 submissions from 9 submitters: Uncertain significance (2); Likely benign (8). Last evaluated 2026-02-01.

Conditions:
RYR1-related disorder. Also called: RYR1-related condition; RYR1-related disorders. Identifiers: MedGen CN239331.
Congenital multicore myopathy with external ophthalmoplegia (CMYO1B). Also called: Minicore myopathy with external ophthalmoplegia; MULTIMINICORE DISEASE WITH EXTERNAL OPHTHALMOPLEGIA; Congenital myopathy 1B, autosomal recessive; Minicore myopathy; MULTICORE MYOPATHY. Identifiers: Orphanet 598, Orphanet 98905, MedGen C1850674, MONDO:0009712, OMIM 255320, HP:0003789.
Malignant hyperthermia, susceptibility to, 1 (MHS1). Also called: Malignant hyperthermia suceptibility 1; RYR1-Related Malignant Hyperthermia Susceptibility; Anesthesia related hyperthermia; Malignant hyperpyrexia; Fulminating hyperpyrexia; Pharmacogenic myopathy. Identifiers: Orphanet 423, MedGen C2930980, MONDO:0007783, OMIM 145600.

Allele frequency attached by ClinVar (database versions not stated): 1000 Genomes Project 30x 0.00016; 1000 Genomes Project 0.00020; TOPMed 0.00034; ESP Exome Variant Server 0.00077.
gnomAD v4.1: 903 of 1,614,150 alleles (0.056%); highest among the groups gnomAD compares: Non-Finnish European, 0.072%; 3 homozygotes.

Submissions (10):

CeGaT Center for Human Genetics Tuebingen
Classification: Likely benign. Last evaluated: 2026-02-01. Review status: criteria provided, single submitter. Criteria: CeGaT Center For Human Genetics Tuebingen Variant Classification Criteria Version 2. Collection method: clinical testing. Allele origin: germline. Affected: yes. Observed: 8 variant alleles.
Comment: RYR1: BP4, BP7

Labcorp Genetics (formerly Invitae), Labcorp
Classification: Likely benign for RYR1-related disorder. Last evaluated: 2026-01-01. Review status: criteria provided, single submitter. Criteria: Invitae Variant Classification Sherloc (09022015). Collection method: clinical testing. Allele origin: germline.

Mayo Clinic Laboratories, Mayo Clinic
Classification: Likely benign. Last evaluated: 2025-09-09. Review status: criteria provided, single submitter. Criteria: ACMG Guidelines, 2015. Collection method: clinical testing. Allele origin: germline. Observed: 4 variant alleles.
Comment: BP4, BP7

Blueprint Genetics
Classification: Likely benign. Last evaluated: 2024-11-26. Review status: criteria provided, single submitter. Criteria: ACMG Guidelines, 2015. Collection method: clinical testing. Allele origin: germline.

All of Us Research Program, National Institutes of Health
Classification: Likely benign for Malignant hyperthermia, susceptibility to, 1. Last evaluated: 2024-02-05. Review status: criteria provided, single submitter. Criteria: ACMG Guidelines, 2015. Collection method: clinical testing. Allele origin: germline. Inheritance: Autosomal dominant inheritance. Observed: 115 variant alleles, 115 heterozygotes.
Comment: This study involves interpretation of variants in research participants for the purpose of population health screening. Participant phenotype was not available at the time of variant classification. Additional details can be found in publication PMID: 35346344, PMCID: PMC8962531

Color Diagnostics, LLC DBA Color Health
Classification: Likely benign for Malignant hyperthermia, susceptibility to, 1. Last evaluated: 2022-05-03. Review status: criteria provided, single submitter. Criteria: ACMG Guidelines, 2015. Collection method: clinical testing. Allele origin: germline.

PreventionGenetics, part of Exact Sciences
Classification: Likely benign. Last evaluated: 2018-03-29. Review status: criteria provided, single submitter. Criteria: ACMG Guidelines, 2015. Collection method: clinical testing. Allele origin: germline.

Illumina Laboratory Services, Illumina
Classification: Uncertain significance for Malignant hyperthermia, susceptibility to, 1. Last evaluated: 2018-01-12. Review status: criteria provided, single submitter. Criteria: ICSL Variant Classification Criteria 13 December 2019. Collection method: clinical testing. Allele origin: germline.

Illumina Laboratory Services, Illumina
Classification: Uncertain significance for Congenital multicore myopathy with external ophthalmoplegia. Last evaluated: 2018-01-12. Review status: criteria provided, single submitter. Criteria: ICSL Variant Classification Criteria 13 December 2019. Collection method: clinical testing. Allele origin: germline.

GeneDx
Classification: Likely benign. Last evaluated: 2016-01-28. Review status: criteria provided, single submitter. Criteria: GeneDx Variant Classification (06012015). Collection method: clinical testing. Allele origin: germline. Affected: yes.
Comment: This variant is considered likely benign or benign based on one or more of the following criteria: it is a conservative change, it occurs at a poorly conserved position in the protein, it is predicted to be benign by multiple in silico algorithms, and/or has population frequency not consistent with disease.

NM_000540.3(RYR1):c.3420C>G (p.Arg1140=)

Gene: RYR1 (ryanodine receptor 1; plus strand). Cytogenetic location: 19q13.2.
Variant type: single nucleotide variant.
Coding change: c.3420C>G on transcript NM_000540.3 (MANE Select); coding-DNA position 3420, C replaced by G.
Protein change: p.Arg1140=; no amino-acid change (arginine 1140 retained).
Molecular consequence: synonymous variant.
Genome position (GRCh38, 1-based): chr19:38,469,004, C>G. VCF-style: chr19-38469004-C-G. GRCh37 (hg19) VCF-style: chr19-38959644-C-G.
Other names: p.Arg1140=; c.3420C>G, p.Arg1140= (NM_001042723.2).
Identifiers: ClinVar variation 329010 (VCV000329010.54), dbSNP rs201599911, ClinGen allele CA064824.